The following is an entry in ClinVar:

ClinVar aggregate classification (germline): Uncertain significance (1 of 4 stars; one submission).

Conditions:
Developmental and epileptic encephalopathy, 36 (DEE36). Also called: ALG13-CDG; Congenital disorder of glycosylation, type Is; Epileptic encephalopathy, early infantile, 36. Identifiers: Orphanet 324422, MedGen C4317295, MONDO:0010472, OMIM 300884.

Allele frequency attached by ClinVar (database versions not stated): gnomAD exomes 0.00001; gnomAD 0.00002; TOPMed 0.00003; ExAC 0.00007; ESP Exome Variant Server 0.00012.
gnomAD v4.1: 25 of 1,179,397 alleles (0.0021%); highest among the groups gnomAD compares: Non-Finnish European, 0.0028%; no homozygotes.

Submission:

Labcorp Genetics (formerly Invitae), Labcorp
Classification: Uncertain significance for Developmental and epileptic encephalopathy, 36. Last evaluated: 2021-08-28. Review status: criteria provided, single submitter. Criteria: Invitae Variant Classification Sherloc (09022015). Collection method: clinical testing. Allele origin: germline.
Comment: This sequence change replaces serine with tyrosine at codon 909 of the ALG13 protein (p.Ser909Tyr). The serine residue is weakly conserved and there is a large physicochemical difference between serine and tyrosine. This variant is present in population databases (rs377097716, ExAC 0.03%). This variant has not been reported in the literature in individuals affected with ALG13-related conditions. Algorithms developed to predict the effect of missense changes on protein structure and function are either unavailable or do not agree on the potential impact of this missense change (SIFT: "Tolerated"; PolyPhen-2: "Possibly Damaging"; Align-GVGD: "Class C0"). In summary, the available evidence is currently insufficient to determine the role of this variant in disease. Therefore, it has been classified as a Variant of Uncertain Significance.

NM_001099922.3(ALG13):c.2726C>A (p.Ser909Tyr)

Gene: ALG13 (ALG13 UDP-N-acetylglucosaminyltransferase subunit; plus strand). Cytogenetic location: Xq23.
Variant type: single nucleotide variant.
Coding change: c.2726C>A on transcript NM_001099922.3 (MANE Select); coding-DNA position 2726, C replaced by A.
Protein change: p.Ser909Tyr; replaces serine 909 with tyrosine.
Molecular consequence: missense variant. On other transcripts: intron variant (5).
Genome position (GRCh38, 1-based): chrX:111,744,698, C>A. VCF-style: chrX-111744698-C-A. GRCh37 (hg19) VCF-style: chrX-110987926-C-A.
Other names: c.2492C>A, p.Ser831Tyr (NM_001257231.2); c.2383+7819C>A (NM_001257237.2, NM_001257234.2, NM_001257230.2); c.2209+7819C>A (NM_001324293.1); c.2695+7819C>A (NM_001324292.2); short protein forms S831Y, S909Y.
Identifiers: ClinVar variation 945770 (VCV000945770.7), dbSNP rs377097716, ClinGen allele CA10493965.